The following is an entry in ClinVar:

NM_145331.3(MAP3K7):c.1175T>G (p.Met392Arg)

Gene: MAP3K7 (mitogen-activated protein kinase kinase kinase 7; minus strand). Cytogenetic location: 6q15.
Variant type: single nucleotide variant.
Coding change: c.1175T>G on transcript NM_145331.3 (MANE Select); coding-DNA position 1175, T replaced by G.
Protein change: p.Met392Arg; replaces methionine 392 with arginine.
Molecular consequence: missense variant.
Genome position (GRCh38, 1-based): chr6:90,547,293, A>C on the plus strand (T>G on the coding strand, the complement: MAP3K7 is on the minus strand). VCF-style: chr6-90547293-A-C. GRCh37 (hg19) VCF-style: chr6-91257012-A-C.
Other names: c.1175T>G, p.Met392Arg (NM_003188.4, NM_145332.3, NM_145333.3); short protein forms M392R.
Identifiers: ClinVar variation 1003590 (VCV001003590.6), dbSNP rs778011461, ClinGen allele CA3928450.

ClinVar aggregate classification (germline): Uncertain significance (1 of 4 stars; one submission).

Allele frequency attached by ClinVar (database versions not stated): gnomAD 0.00001; TOPMed 0.00004.
gnomAD v4.1: 25 of 1,613,224 alleles (0.0015%); highest among the groups gnomAD compares: Admixed American, 0.038%; no homozygotes.

Submission:

Labcorp Genetics (formerly Invitae), Labcorp
Classification: Uncertain significance. Last evaluated: 2023-05-15. Review status: criteria provided, single submitter. Criteria: Invitae Variant Classification Sherloc (09022015). Collection method: clinical testing. Allele origin: germline.
Comment: ClinVar contains an entry for this variant (Variation ID: 1003590). An algorithm developed to predict the effect of missense changes on protein structure and function (PolyPhen-2) suggests that this variant is likely to be tolerated. In summary, the available evidence is currently insufficient to determine the role of this variant in disease. Therefore, it has been classified as a Variant of Uncertain Significance. This sequence change replaces methionine, which is neutral and non-polar, with arginine, which is basic and polar, at codon 392 of the MAP3K7 protein (p.Met392Arg). This variant is present in population databases (rs778011461, gnomAD 0.05%), and has an allele count higher than expected for a pathogenic variant. This variant has not been reported in the literature in individuals affected with MAP3K7-related conditions.